The following is an entry in ClinVar:

NM_014008.5(CCDC22):c.1432A>C (p.Met478Leu)

Gene: CCDC22 (CCC complex scaffolding subunit CCDC22; plus strand). Cytogenetic location: Xp11.23.
Variant type: single nucleotide variant.
Coding change: c.1432A>C on transcript NM_014008.5 (MANE Select); coding-DNA position 1432, A replaced by C.
Protein change: p.Met478Leu; replaces methionine 478 with leucine.
Molecular consequence: missense variant.
Genome position (GRCh38, 1-based): chrX:49,248,817, A>C. VCF-style: chrX-49248817-A-C. GRCh37 (hg19) VCF-style: chrX-49105278-A-C.
Other names: short protein forms M478L.
Identifiers: ClinVar variation 4887805 (VCV004887805.1).

ClinVar aggregate classification (germline): Uncertain significance (1 of 4 stars; one submission).

gnomAD v4.1: 11 of 1,207,528 alleles (0.00091%); highest among the groups gnomAD compares: Non-Finnish European, 0.0012%; no homozygotes.

Submission:

Women's Health and Genetics/Laboratory Corporation of America, LabCorp
Classification: Uncertain significance. Last evaluated: 2026-06-19. Review status: criteria provided, single submitter. Criteria: LabCorp Variant Classification Summary - May 2015. Collection method: clinical testing. Allele origin: germline.
Comment: Variant summary: CCDC22 c.1432A>C (p.Met478Leu) results in a conservative amino acid change in the encoded protein sequence. Algorithms developed to predict the effect of missense changes on protein structure and function are either unavailable or do not agree on the potential impact of this missense change. Several computational tools predict a significant impact on normal splicing: Two predict the variant abolishes a 3' acceptor site. Two predict the variant weakens a 3' acceptor site. However, these predictions have yet to be confirmed by functional studies. The variant allele was found at a frequency of 5.7e-06 in 175823 control chromosomes. The available data on variant occurrences in the general population are insufficient to allow any conclusion about variant significance. c.1432A>C has been observed in an individual affected with autism spectrum disorder (Wang_2020). These data do not allow any conclusion about association of this varianat with CCDC22-related condition. A functional study has been performed to assess the effect of this variant on splicing in an in vitro minigene splicing assay and the data does not support significant effect (Rhine_2022). The following publications have been ascertained in the context of this evaluation (PMID: 35051175, 33023636). No submitters have cited clinical-significance assessments for this variant to ClinVar. Based on the evidence outlined above, the variant was classified as uncertain significance.

Literature cited by the submitters: PubMed 33023636; PubMed 35051175.